The following is an entry in ClinVar:

NM_006231.4(POLE):c.2921A>G (p.Lys974Arg)

Gene: POLE (DNA polymerase epsilon, catalytic subunit; minus strand). Cytogenetic location: 12q24.33.
Variant type: single nucleotide variant.
Coding change: c.2921A>G on transcript NM_006231.4 (MANE Select); coding-DNA position 2921, A replaced by G.
Protein change: p.Lys974Arg; replaces lysine 974 with arginine.
Molecular consequence: missense variant.
Genome position (GRCh38, 1-based): chr12:132,661,108, T>C on the plus strand (A>G on the coding strand, the complement: POLE is on the minus strand). VCF-style: chr12-132661108-T-C. GRCh37 (hg19) VCF-style: chr12-133237694-T-C.
Other names: c.2921A>G (NM_006231.2); short protein forms K974R.
Identifiers: ClinVar variation 1479381 (VCV001479381.9), dbSNP rs201333356, ClinGen allele CA6893403.

ClinVar aggregate classification (germline): Uncertain significance. Review status: criteria provided, multiple submitters, no conflicts (2 of 4 stars). 2 submissions from 2 submitters: Uncertain significance (2). Last evaluated 2025-11-12.

Conditions:
Hereditary cancer-predisposing syndrome. Also called: Tumor predisposition; Hereditary Cancer Syndrome; Hereditary neoplastic syndrome; Neoplastic Syndromes, Hereditary. Identifiers: Orphanet 140162, MedGen C0027672, MeSH D009386, MONDO:0015356.

Allele frequency attached by ClinVar (database versions not stated): gnomAD exomes below 0.00001; ExAC 0.00001; gnomAD 0.00001; 1000 Genomes Project 30x 0.00016; 1000 Genomes Project 0.00020.

Submissions (2):

Labcorp Genetics (formerly Invitae), Labcorp
Classification: Uncertain significance. Last evaluated: 2025-11-12. Review status: criteria provided, single submitter. Criteria: Invitae Variant Classification Sherloc (09022015). Collection method: clinical testing. Allele origin: germline.
Comment: This sequence change replaces lysine, which is basic and polar, with arginine, which is basic and polar, at codon 974 of the POLE protein (p.Lys974Arg). This variant is present in population databases (rs201333356, gnomAD 0.0009%). This variant has not been reported in the literature in individuals affected with POLE-related conditions. ClinVar contains an entry for this variant (Variation ID: 1479381). Invitae Evidence Modeling of protein sequence and biophysical properties (such as structural, functional, and spatial information, amino acid conservation, physicochemical variation, residue mobility, and thermodynamic stability) indicates that this missense variant is expected to disrupt POLE protein function with a positive predictive value of 80%. In summary, the available evidence is currently insufficient to determine the role of this variant in disease. Therefore, it has been classified as a Variant of Uncertain Significance.

Ambry Genetics
Classification: Uncertain significance for Hereditary cancer-predisposing syndrome. Last evaluated: 2025-10-12. Review status: criteria provided, single submitter. Criteria: Ambry Variant Classification Scheme 2023. Collection method: clinical testing. Allele origin: germline.
Comment: The p.K974R variant (also known as c.2921A>G), located in coding exon 25 of the POLE gene, results from an A to G substitution at nucleotide position 2921. The lysine at codon 974 is replaced by arginine, an amino acid with highly similar properties. This amino acid position is conserved. In addition, the in silico prediction for this alteration is inconclusive. Based on the available evidence, the clinical significance of this variant remains unclear.